The following is an entry in ClinVar:

NM_000587.4(C7):c.1204C>T (p.Arg402Ter)

Gene: C7 (complement C7; plus strand). Cytogenetic location: 5p13.1.
Variant type: single nucleotide variant.
Coding change: c.1204C>T on transcript NM_000587.4 (MANE Select); coding-DNA position 1204, C replaced by T.
Protein change: p.Arg402Ter; replaces arginine 402 with a stop codon.
Molecular consequence: nonsense.
Genome position (GRCh38, 1-based): chr5:40,955,497, C>T. VCF-style: chr5-40955497-C-T. GRCh37 (hg19) VCF-style: chr5-40955599-C-T.
Other names: c.1204C>T (NM_000587.3); short protein forms R402*.
Identifiers: ClinVar variation 1948673 (VCV001948673.6), dbSNP rs200365542, ClinGen allele CA3249884.

ClinVar aggregate classification (germline): Pathogenic/Likely pathogenic. Review status: criteria provided, multiple submitters, no conflicts (2 of 4 stars). 2 submissions from 2 submitters: Pathogenic (1); Likely pathogenic (1). Last evaluated 2023-08-01.

Conditions:
C7-related disorder. Also called: C7-related condition.

Allele frequency attached by ClinVar (database versions not stated): ExAC 0.00001; gnomAD 0.00001; gnomAD exomes 0.00001; 1000 Genomes Project 0.00020; 1000 Genomes Project 30x 0.00031.
gnomAD v4.1: 16 of 1,613,336 alleles (0.00099%); highest among the groups gnomAD compares: Admixed American, 0.0017%; no homozygotes.

Submissions (2):

PreventionGenetics, part of Exact Sciences
Classification: Likely pathogenic for C7-related condition. Last evaluated: 2023-08-01. Review status: criteria provided, single submitter. Criteria: ACMG Guidelines, 2015. Collection method: clinical testing. Allele origin: germline.
Comment: The C7 c.1204C>T variant is predicted to result in premature protein termination (p.Arg402*). To our knowledge, this variant has not been reported in the literature or in a large population database, indicating this variant is rare. Nonsense variants in C7 are expected to be pathogenic. This variant is interpreted as likely pathogenic.

Labcorp Genetics (formerly Invitae), Labcorp
Classification: Pathogenic. Last evaluated: 2023-03-17. Review status: criteria provided, single submitter. Criteria: Invitae Variant Classification Sherloc (09022015). Collection method: clinical testing. Allele origin: germline.
Comment: For these reasons, this variant has been classified as Pathogenic. Algorithms developed to predict the effect of sequence changes on RNA splicing suggest that this variant may create or strengthen a splice site. ClinVar contains an entry for this variant (Variation ID: 1948673). This variant has not been reported in the literature in individuals affected with C7-related conditions. This variant is not present in population databases (gnomAD no frequency). This sequence change creates a premature translational stop signal (p.Arg402*) in the C7 gene. It is expected to result in an absent or disrupted protein product. Loss-of-function variants in C7 are known to be pathogenic (PMID: 9856499, 17407100).

Literature cited by the submitters: PubMed 9856499 (cited by Labcorp Genetics (formerly Invitae), Labcorp); PubMed 17407100 (cited by Labcorp Genetics (formerly Invitae), Labcorp).